The following is an entry in ClinVar:

NM_005076.5(CNTN2):c.1829C>T (p.Pro610Leu)

Gene: CNTN2 (contactin 2; plus strand). Cytogenetic location: 1q32.1.
Variant type: single nucleotide variant.
Coding change: c.1829C>T on transcript NM_005076.5 (MANE Select); coding-DNA position 1829, C replaced by T.
Protein change: p.Pro610Leu; replaces proline 610 with leucine.
Molecular consequence: missense variant. On other transcripts: non-coding transcript variant (1).
Genome position (GRCh38, 1-based): chr1:205,066,453, C>T. VCF-style: chr1-205066453-C-T. GRCh37 (hg19) VCF-style: chr1-205035581-C-T.
Other names: c.1829C>T, p.Pro610Leu (NM_001346083.2); short protein forms P610L.
Identifiers: ClinVar variation 2101469 (VCV002101469.2), dbSNP rs1654294267, ClinGen allele CA344376159.

ClinVar aggregate classification (germline): Uncertain significance (1 of 4 stars; one submission).

Conditions:
Epilepsy, familial adult myoclonic, 5 (EPEO5). Also called: CORTICAL MYOCLONIC TREMOR WITH EPILEPSY, FAMILIAL, 5. Identifiers: Orphanet 86814, MedGen C3809374, MONDO:0014167, OMIM 615400.

Allele frequency attached by ClinVar (database versions not stated): TOPMed below 0.00001; gnomAD exomes 0.00001.
gnomAD v4.1: 11 of 1,613,888 alleles (0.00068%); highest among the groups gnomAD compares: Non-Finnish European, 0.00085%; no homozygotes.

Submission:

Labcorp Genetics (formerly Invitae), Labcorp
Classification: Uncertain significance for Epilepsy, familial adult myoclonic, 5. Last evaluated: 2024-03-11. Review status: criteria provided, single submitter. Criteria: Invitae Variant Classification Sherloc (09022015). Collection method: clinical testing. Allele origin: germline.
Comment: This sequence change replaces proline, which is neutral and non-polar, with leucine, which is neutral and non-polar, at codon 610 of the CNTN2 protein (p.Pro610Leu). This variant is not present in population databases (gnomAD no frequency). This variant has not been reported in the literature in individuals affected with CNTN2-related conditions. ClinVar contains an entry for this variant (Variation ID: 2101469). Advanced modeling of protein sequence and biophysical properties (such as structural, functional, and spatial information, amino acid conservation, physicochemical variation, residue mobility, and thermodynamic stability) performed at Invitae indicates that this missense variant is not expected to disrupt CNTN2 protein function with a negative predictive value of 95%. In summary, the available evidence is currently insufficient to determine the role of this variant in disease. Therefore, it has been classified as a Variant of Uncertain Significance.